The following is an entry in ClinVar:

NC_000023.10:g.(100656798_100658798)_(100658974_100662697)dup

Genes: GLA (galactosidase alpha; minus strand), RPL36A-HNRNPH2 (RPL36A-HNRNPH2 readthrough; plus strand). Cytogenetic location: Xq22.1.
Variant type: Duplication.
Identifiers: ClinVar variation 1177262 (VCV001177262.1).

ClinVar aggregate classification (germline): Uncertain significance (1 of 4 stars; one submission).

Submission:

Women's Health and Genetics/Laboratory Corporation of America, LabCorp
Classification: Uncertain significance. Last evaluated: 2021-07-02. Review status: criteria provided, single submitter. Criteria: LabCorp Variant Classification Summary - May 2015. Collection method: clinical testing. Allele origin: germline.
Comment: Variant summary: The variant identified by MLPA or other technology involves the duplication of exon 2 in the GLA gene. A presumed nomenclature of c.(194+1_195-1)_(369+1_370-1)dup has been designated for the purposes of this classification. It has been assumed that this is a tandem duplication in direct orientation (Richardson_GIM_2018, Newman_AJHG_2015). Although exact breakpoints of this deletion are not known, it is predicted to interrupt the reading frame prematurely, whereby Val124 is replaced by a STOP codon (Alamut). The frequency of this variant in the general population could not be determined as the technology used for large population databases (ExAC, gnomAD, ESP, 1000G) cannot detect variants of this type. No clinical diagnostic laboratories have submitted clinical-significance assessments for this variant to ClinVar after 2014. Based on the evidence outlined above, the variant was classified as VUS - possibly pathogenic.